The following is an entry in ClinVar:

NM_000535.7(PMS2):c.2265C>A (p.Ile755=)

Gene: PMS2 (PMS1 homolog 2, mismatch repair system component; minus strand). Cytogenetic location: 7p22.1.
Variant type: single nucleotide variant.
Coding change: c.2265C>A on transcript NM_000535.7 (MANE Select); coding-DNA position 2265, C replaced by A.
Protein change: p.Ile755=; no amino-acid change (isoleucine 755 retained).
Molecular consequence: synonymous variant. On other transcripts: non-coding transcript variant (1).
Genome position (GRCh38, 1-based): chr7:5,978,606, G>T on the plus strand (C>A on the coding strand, the complement: PMS2 is on the minus strand). VCF-style: chr7-5978606-G-T. GRCh37 (hg19) VCF-style: chr7-6018237-G-T.
Other names: c.1860C>A, p.Ile620= (NM_001322003.2, NM_001322004.2, NM_001322005.2 and 1 more transcripts); c.2109C>A, p.Ile703= (NM_001322006.2); c.1947C>A, p.Ile649= (NM_001322007.2, NM_001322008.2); c.1704C>A, p.Ile568= (NM_001322010.2); c.1332C>A, p.Ile444= (NM_001322011.2, NM_001322012.2); c.1692C>A, p.Ile564= (NM_001322013.2); c.2265C>A, p.Ile755= (NM_001322014.2); c.1956C>A, p.Ile652= (NM_001322015.2).
Identifiers: ClinVar variation 1193237 (VCV001193237.13), dbSNP rs145646046, ClinGen allele CA047156.

ClinVar aggregate classification (germline): Benign/Likely benign. Review status: criteria provided, multiple submitters, no conflicts (2 of 4 stars). 4 submissions from 4 submitters: Benign (1); Likely benign (3). Last evaluated 2025-02-03.

Conditions:
Lynch syndrome 4 (LYNCH4). Also called: Colorectal cancer, hereditary nonpolyposis, type 4; Hereditary non-polyposis colorectal cancer, type 4. Identifiers: Orphanet 144, MedGen C1838333, MONDO:0013699, OMIM 614337. Disease mechanism: loss of function.
Hereditary nonpolyposis colorectal neoplasms. Identifiers: MedGen C0009405, MeSH D003123.
Hereditary cancer-predisposing syndrome. Also called: Neoplastic Syndromes, Hereditary; Hereditary neoplastic syndrome; Hereditary Cancer Syndrome; Tumor predisposition. Identifiers: Orphanet 140162, MedGen C0027672, MeSH D009386, MONDO:0015356.

gnomAD v4.1: 5 of 1,602,068 alleles (0.00031%); highest among the groups gnomAD compares: South Asian, 0.0055%; 1 homozygote.

Submissions (4):

Myriad Genetics, Inc.
Classification: Benign for Lynch syndrome 4. Last evaluated: 2025-02-03. Review status: criteria provided, single submitter. Criteria: Myriad Autosomal Dominant, Autosomal Recessive and X-Linked Classification Criteria (2023). Collection method: clinical testing. Allele origin: unknown.
Comment: This variant is considered benign. This variant is a silent/synonymous amino acid change and it is not expected to impact splicing.

Labcorp Genetics (formerly Invitae), Labcorp
Classification: Likely benign for Hereditary nonpolyposis colorectal neoplasms. Last evaluated: 2024-12-04. Review status: criteria provided, single submitter. Criteria: Invitae Variant Classification Sherloc (09022015). Collection method: clinical testing. Allele origin: germline.

Ambry Genetics
Classification: Likely benign for Hereditary cancer-predisposing syndrome. Last evaluated: 2020-10-18. Review status: criteria provided, single submitter. Criteria: Ambry Variant Classification Scheme 2023. Collection method: clinical testing. Allele origin: germline.

GeneDx
Classification: Likely benign. Last evaluated: 2018-06-28. Review status: criteria provided, single submitter. Criteria: GeneDx Variant Classification Process June 2021. Collection method: clinical testing. Allele origin: germline. Affected: yes.